The following is an entry in ClinVar:

ClinVar aggregate classification (germline): Pathogenic. Review status: criteria provided, multiple submitters, no conflicts (2 of 4 stars). 3 submissions from 3 submitters: Pathogenic (3). Last evaluated 2022-03-15.

Conditions:
Hereditary cancer-predisposing syndrome. Also called: Tumor predisposition; Hereditary Cancer Syndrome; Hereditary neoplastic syndrome; Neoplastic Syndromes, Hereditary. Identifiers: Orphanet 140162, MedGen C0027672, MeSH D009386, MONDO:0015356.
Neurofibromatosis, type 1 (NF1). Also called: VON RECKLINGHAUSEN DISEASE; NEUROFIBROMATOSIS, TYPE I, SOMATIC; Peripheral type neurofibromatosis; Neurofibromatosis, type I. Identifiers: Orphanet 636, MedGen C0027831, MONDO:0018975, OMIM 162200. Disease mechanism: loss of function.

Submissions (3):

Genome-Nilou Lab
Classification: Pathogenic for Neurofibromatosis, type 1. Last evaluated: 2022-03-15. Review status: criteria provided, single submitter. Criteria: ACMG Guidelines, 2015. Collection method: clinical testing. Allele origin: germline. Affected: no.

Labcorp Genetics (formerly Invitae), Labcorp
Classification: Pathogenic for Neurofibromatosis, type 1. Last evaluated: 2022-02-10. Review status: criteria provided, single submitter. Criteria: Invitae Variant Classification Sherloc (09022015). Collection method: clinical testing. Allele origin: germline.
Comment: This variant is not present in population databases (gnomAD no frequency). For these reasons, this variant has been classified as Pathogenic. ClinVar contains an entry for this variant (Variation ID: 234213). This variant has not been reported in the literature in individuals affected with NF1-related conditions. This sequence change creates a premature translational stop signal (p.Ser319Lysfs*11) in the NF1 gene. It is expected to result in an absent or disrupted protein product. Loss-of-function variants in NF1 are known to be pathogenic (PMID: 10712197, 23913538).

Ambry Genetics
Classification: Pathogenic for Hereditary cancer-predisposing syndrome. Last evaluated: 2015-09-30. Review status: criteria provided, single submitter. Criteria: Ambry Autosomal Dominant and X-Linked criteria (10/2015). Collection method: clinical testing. Allele origin: germline. Observed: 1 variant allele.
Comment: The c.955dupA pathogenic mutation, located in coding exon 9 of the NF1 gene, results from a duplication of A at nucleotide position 955, causing a translational frameshift with a predicted alternate stop codon. Since frameshifts are typically deleterious in nature, this alteration is interpreted as a disease-causing mutation (ACMG Recommendations for Standards for Interpretation and Reporting of Sequence Variations. Revision 2007. Genet Med. 2008;10:294).

Literature cited by the submitters: PubMed 10712197 (cited by Labcorp Genetics (formerly Invitae), Labcorp); PubMed 23913538 (cited by Labcorp Genetics (formerly Invitae), Labcorp).

NM_001042492.3(NF1):c.955dup (p.Ser319fs)

Gene: NF1 (neurofibromin 1; plus strand). Cytogenetic location: 17q11.2.
Variant type: Duplication.
Coding change: c.955dup on transcript NM_001042492.3 (MANE Select); coding-DNA position 955, one base duplicated (A; older notation c.955dupA).
Protein change: p.Ser319fs; shifts the reading frame from serine 319.
Molecular consequence: frameshift variant.
Genome position (GRCh38, 1-based): chr17:31,200,488, A duplicated; the last of 3 consecutive A bases (chr17:31,200,486-31,200,488); duplicating any one gives the same sequence. VCF-style (leftmost placement, unchanged base first): chr17-31200485-G-GA. GRCh37 (hg19) VCF-style: chr17-29527503-G-GA.
Other names: c.955dupA (NM_000267.3, NM_001042492.2); c.955dup, p.Ser319Lysfs (NM_000267.4); c.955dup, p.Ser319fs (NM_001128147.3); short protein forms S319fs.
Identifiers: ClinVar variation 234213 (VCV000234213.11), dbSNP rs876660931, ClinGen allele CA10580208.